The following is an entry in ClinVar:

NM_001363711.2(DUOX2):c.1912G>A (p.Val638Met)

Gene: DUOX2 (dual oxidase 2; minus strand). Cytogenetic location: 15q21.1.
Variant type: single nucleotide variant.
Coding change: c.1912G>A on transcript NM_001363711.2 (MANE Select); coding-DNA position 1912, G replaced by A.
Protein change: p.Val638Met; replaces valine 638 with methionine.
Molecular consequence: missense variant.
Genome position (GRCh38, 1-based): chr15:45,106,561, C>T on the plus strand (G>A on the coding strand, the complement: DUOX2 is on the minus strand). VCF-style: chr15-45106561-C-T. GRCh37 (hg19) VCF-style: chr15-45398759-C-T.
Other names: c.1912G>A, p.Val638Met (NM_014080.5); c.1912G>A (NM_014080.4); short protein forms V638M.
Identifiers: ClinVar variation 1905715 (VCV001905715.7), dbSNP rs192880210, ClinGen allele CA7538452.

ClinVar aggregate classification (germline): Conflicting classifications of pathogenicity. Review status: criteria provided, conflicting classifications (1 of 4 stars). 3 submissions from 3 submitters: Uncertain significance (2); Likely benign (1). Last evaluated 2026-01-07.

Conditions:
Inborn genetic diseases. Identifiers: MedGen C0950123, MeSH D030342.

Allele frequency attached by ClinVar (database versions not stated): ExAC 0.00001; TOPMed 0.00002; gnomAD 0.00003; 1000 Genomes Project 30x 0.00016; 1000 Genomes Project 0.00020.
gnomAD v4.1: 50 of 1,614,216 alleles (0.0031%); highest among the groups gnomAD compares: East Asian, 0.011%; no homozygotes.

Submissions (3):

Labcorp Genetics (formerly Invitae), Labcorp
Classification: Uncertain significance. Last evaluated: 2026-01-07. Review status: criteria provided, single submitter. Criteria: Invitae Variant Classification Sherloc (09022015). Collection method: clinical testing. Allele origin: germline.
Comment: This sequence change replaces valine, which is neutral and non-polar, with methionine, which is neutral and non-polar, at codon 638 of the DUOX2 protein (p.Val638Met). This variant is present in population databases (rs192880210, gnomAD 0.02%). This variant has not been reported in the literature in individuals affected with DUOX2-related conditions. ClinVar contains an entry for this variant (Variation ID: 1905715). Invitae Evidence Modeling of protein sequence and biophysical properties (such as structural, functional, and spatial information, amino acid conservation, physicochemical variation, residue mobility, and thermodynamic stability) indicates that this missense variant is not expected to disrupt DUOX2 protein function with a negative predictive value of 80%. In summary, the available evidence is currently insufficient to determine the role of this variant in disease. Therefore, it has been classified as a Variant of Uncertain Significance.

Ambry Genetics
Classification: Likely benign for Inborn genetic diseases. Last evaluated: 2023-06-02. Review status: criteria provided, single submitter. Criteria: Ambry Variant Classification Scheme 2023. Collection method: clinical testing. Allele origin: germline.

GeneDx
Classification: Uncertain significance. Last evaluated: 2022-12-29. Review status: criteria provided, single submitter. Criteria: GeneDx Variant Classification Process June 2021. Collection method: clinical testing. Allele origin: germline. Affected: yes.
Comment: In silico analysis supports that this missense variant does not alter protein structure/function; Has not been previously published as pathogenic or benign to our knowledge